The following is an entry in ClinVar:

ClinVar aggregate classification (germline): Uncertain significance. Review status: criteria provided, multiple submitters, no conflicts (2 of 4 stars). 5 submissions from 5 submitters: Uncertain significance (5). Last evaluated 2025-10-17.

Conditions:
Acrocallosal syndrome (ACLS). Also called: Schinzel syndrome 1; Absence of corpus callosum with unusual facial appearance, mental deficiency, duplication of the halluces and polydactyly; HALLUX DUPLICATION, POSTAXIAL POLYDACTYLY, AND ABSENCE OF CORPUS CALLOSUM. Identifiers: Orphanet 36, MedGen C0796147, MONDO:0008708, OMIM 200990.
Multiple epiphyseal dysplasia, Al-Gazali type. Also called: Macrocephaly with multiple epiphyseal dysplasia and distinctive facies. Identifiers: Orphanet 166024, MedGen C1846722, MONDO:0011778, OMIM 607131.
Hydrolethalus syndrome 2 (HLS2). Identifiers: Orphanet 2189, MedGen C3279899, MONDO:0013585, OMIM 614120.
Inborn genetic diseases. Identifiers: MedGen C0950123, MeSH D030342.

Allele frequency attached by ClinVar (database versions not stated): ExAC 0.00008; gnomAD 0.00009 and 0.00010; gnomAD exomes 0.00009; TOPMed 0.00009.
gnomAD v4.1: 344 of 1,613,402 alleles (0.021%); highest among the groups gnomAD compares: Non-Finnish European, 0.028%; 1 homozygote.

Submissions (5):

Labcorp Genetics (formerly Invitae), Labcorp
Classification: Uncertain significance for Acrocallosal syndrome. Last evaluated: 2025-10-17. Review status: criteria provided, single submitter. Criteria: Invitae Variant Classification Sherloc (09022015). Collection method: clinical testing. Allele origin: germline.
Comment: This sequence change replaces lysine, which is basic and polar, with asparagine, which is neutral and polar, at codon 1195 of the KIF7 protein (p.Lys1195Asn). This variant is present in population databases (rs200782729, gnomAD 0.02%). This variant has not been reported in the literature in individuals affected with KIF7-related conditions. ClinVar contains an entry for this variant (Variation ID: 1509899). Invitae Evidence Modeling of protein sequence and biophysical properties (such as structural, functional, and spatial information, amino acid conservation, physicochemical variation, residue mobility, and thermodynamic stability) indicates that this missense variant is not expected to disrupt KIF7 protein function with a negative predictive value of 80%. In summary, the available evidence is currently insufficient to determine the role of this variant in disease. Therefore, it has been classified as a Variant of Uncertain Significance.

GeneDx
Classification: Uncertain significance. Last evaluated: 2025-06-10. Review status: criteria provided, single submitter. Criteria: GeneDx Variant Classification Process June 2021. Collection method: clinical testing. Allele origin: germline. Affected: yes.
Comment: In silico analysis supports that this missense variant has a deleterious effect on protein structure/function; Has not been previously published as pathogenic or benign to our knowledge

Ambry Genetics
Classification: Uncertain significance for Inborn genetic diseases. Last evaluated: 2025-01-28. Review status: criteria provided, single submitter. Criteria: Ambry Variant Classification Scheme 2023. Collection method: clinical testing. Allele origin: germline.

Blueprint Genetics
Classification: Uncertain significance. Last evaluated: 2024-04-24. Review status: criteria provided, single submitter. Criteria: ACMG Guidelines, 2015. Collection method: clinical testing. Allele origin: germline.

Fulgent Genetics
Classification: Uncertain significance for Acrocallosal syndrome; Multiple epiphyseal dysplasia, Al-Gazali type; Hydrolethalus syndrome 2. Last evaluated: 2024-03-29. Review status: criteria provided, single submitter. Criteria: ACMG Guidelines, 2015. Collection method: clinical testing. Allele origin: germline.

NM_198525.3(KIF7):c.3585G>C (p.Lys1195Asn)

Genes: KIF7 (kinesin family member 7; minus strand), LOC126862216 (BRD4-independent group 4 enhancer GRCh37_chr15:90171995-90173194; plus strand). Cytogenetic location: 15q26.1.
Variant type: single nucleotide variant.
Coding change: c.3585G>C on transcript NM_198525.3 (MANE Select); coding-DNA position 3585, G replaced by C.
Protein change: p.Lys1195Asn; replaces lysine 1195 with asparagine.
Molecular consequence: missense variant.
Genome position (GRCh38, 1-based): chr15:89,629,055, C>G on the plus strand (G>C on the coding strand, the complement: KIF7 is on the minus strand). VCF-style: chr15-89629055-C-G. GRCh37 (hg19) VCF-style: chr15-90172286-C-G.
Other names: c.3585G>C (NM_198525.2); short protein forms K1195N.
Identifiers: ClinVar variation 1509899 (VCV001509899.10), dbSNP rs200782729, ClinGen allele CA7727626.